The following is an entry in ClinVar:

NM_000038.6(APC):c.4363A>C (p.Asn1455His)

Gene: APC (APC regulator of Wnt signaling pathway; plus strand). Cytogenetic location: 5q22.2.
Variant type: single nucleotide variant.
Coding change: c.4363A>C on transcript NM_000038.6 (MANE Select); coding-DNA position 4363, A replaced by C.
Protein change: p.Asn1455His; replaces asparagine 1455 with histidine.
Molecular consequence: missense variant.
Genome position (GRCh38, 1-based): chr5:112,839,957, A>C. VCF-style: chr5-112839957-A-C. GRCh37 (hg19) VCF-style: chr5-112175654-A-C.
Other names: c.4363A>C, p.Asn1455His (NM_001127510.3, NM_001354895.2); c.4309A>C, p.Asn1437His (NM_001127511.3); c.4417A>C, p.Asn1473His (NM_001354896.2); c.4393A>C, p.Asn1465His (NM_001354897.2); c.4288A>C, p.Asn1430His (NM_001354898.2); c.4279A>C, p.Asn1427His (NM_001354899.2); c.4240A>C, p.Asn1414His (NM_001354900.2); c.4186A>C, p.Asn1396His (NM_001354901.2); and 5 more; short protein forms N1295H, N1329H, N1354H, N1430H, N1396H, N1455H, N1172H, N1414H.
Identifiers: ClinVar variation 824828 (VCV000824828.4), dbSNP rs1580647114, ClinGen allele CA16030886.

ClinVar aggregate classification (germline): Uncertain significance (1 of 4 stars; one submission).

Conditions:
Hereditary cancer-predisposing syndrome. Also called: Neoplastic Syndromes, Hereditary; Tumor predisposition; Hereditary neoplastic syndrome; Hereditary Cancer Syndrome. Identifiers: Orphanet 140162, MedGen C0027672, MeSH D009386, MONDO:0015356.

Submission:

Ambry Genetics
Classification: Uncertain significance for Hereditary cancer-predisposing syndrome. Last evaluated: 2018-09-30. Review status: criteria provided, single submitter. Criteria: Ambry Variant Classification Scheme 2023. Collection method: clinical testing. Allele origin: germline.
Comment: The p.N1455H variant (also known as c.4363A>C), located in coding exon 15 of the APC gene, results from an A to C substitution at nucleotide position 4363. The asparagine at codon 1455 is replaced by histidine, an amino acid with similar properties. This amino acid position is not well conserved in available vertebrate species. In addition, in silico predictors for this gene do not accurately predict pathogenicity. Since supporting evidence is limited at this time, the clinical significance of this alteration remains unclear.